The following is an entry in ClinVar:

ClinVar aggregate classification (germline): Likely pathogenic (1 of 4 stars; one submission).

Conditions:
Dyschromatosis universalis hereditaria 1 (DUH1). Identifiers: MedGen C2675711, MONDO:0024524, OMIM 127500.

gnomAD v4.1: 3 of 1,613,838 alleles (0.00019%); highest among the groups gnomAD compares: Non-Finnish European, 0.00025%; no homozygotes.

Submission:

3billion
Classification: Likely pathogenic for Dyschromatosis universalis hereditaria 1. Last evaluated: 2023-10-24. Review status: criteria provided, single submitter. Criteria: ACMG Guidelines, 2015. Collection method: clinical testing. Allele origin: germline. Affected: yes.
Comment: The variant is not observed in the gnomAD v2.1.1 dataset. Predicted Consequence/Location: Missense changes are a common disease-causing mechanism. Same nucleotide change resulting in same amino acid change has been previously reported to be associated with SASH1 related disorder (PMID: 32981204). The variant has been observed in at least two similarly affected unrelated individuals (PMID: 32981204). Therefore, this variant is classified as Likely pathogenic according to the recommendation of ACMG/AMP guideline.

Literature cited by the submitters: PubMed 32981204.

NM_015278.5(SASH1):c.1930C>T (p.Arg644Trp)

Gene: SASH1 (SAM and SH3 domain containing 1; plus strand). Cytogenetic location: 6q25.1.
Variant type: single nucleotide variant.
Coding change: c.1930C>T on transcript NM_015278.5 (MANE Select); coding-DNA position 1930, C replaced by T.
Protein change: p.Arg644Trp; replaces arginine 644 with tryptophan.
Molecular consequence: missense variant.
Genome position (GRCh38, 1-based): chr6:148,533,966, C>T. VCF-style: chr6-148533966-C-T. GRCh37 (hg19) VCF-style: chr6-148855102-C-T.
Other names: c.1795C>T, p.Arg599Trp (NM_001346505.2); c.1558C>T, p.Arg520Trp (NM_001346506.2); c.1213C>T, p.Arg405Trp (NM_001346507.2); c.1702C>T, p.Arg568Trp (NM_001346508.2); c.1579C>T, p.Arg527Trp (NM_001346509.2); short protein forms R405W, R520W, R527W, R568W, R599W, R644W.
Identifiers: ClinVar variation 3776092 (VCV003776092.1).